The following is an entry in ClinVar:

NM_018139.3(DNAAF2):c.1586A>C (p.Gln529Pro)

Gene: DNAAF2 (dynein axonemal assembly factor 2; minus strand). Cytogenetic location: 14q21.3.
Variant type: single nucleotide variant.
Coding change: c.1586A>C on transcript NM_018139.3 (MANE Select); coding-DNA position 1586, A replaced by C.
Protein change: p.Gln529Pro; replaces glutamine 529 with proline.
Molecular consequence: missense variant. On other transcripts: 5 prime UTR variant (1).
Genome position (GRCh38, 1-based): chr14:49,633,564, T>G on the plus strand (A>C on the coding strand, the complement: DNAAF2 is on the minus strand). VCF-style: chr14-49633564-T-G. GRCh37 (hg19) VCF-style: chr14-50100282-T-G.
Other names: c.1586A>C, p.Gln529Pro (NM_001083908.2); c.-286A>C (NM_001378453.1); short protein forms Q529P.
Identifiers: ClinVar variation 228603 (VCV000228603.7), dbSNP rs777210474, ClinGen allele CA7172878.
Genomic context (GRCh38, chr14:49,633,564, plus strand): 5'-TGAAGACTTTGCGGCTGGATCCGAGGCACCTGAATGAGCAGAGTCAAGGTTTCTTTGTCC[T>G]GATTACACAGTAACGGAGGACACAAAGGCTCCCCGCTCTTGGTCCCGGGACCACCCATGG-3'
Protein context (NP_060609.2, residues 519-539): EPLCPPLLCN[Gln529Pro]DKETLTLLIQ

ClinVar aggregate classification (germline): Uncertain significance. Review status: criteria provided, multiple submitters, no conflicts (2 of 4 stars). 2 submissions from 2 submitters: Uncertain significance (2). Last evaluated 2022-10-27.

Conditions:
Primary ciliary dyskinesia. Also called: Ciliary dyskinesia. Identifiers: Orphanet 244, MedGen C0008780, MONDO:0016575, HP:0012265.

Allele frequency attached by ClinVar (database versions not stated): ExAC 0.00002.

Submissions (2):

Ambry Genetics
Classification: Uncertain significance for Primary ciliary dyskinesia. Last evaluated: 2022-10-27. Review status: criteria provided, single submitter. Criteria: Ambry Variant Classification Scheme 2023. Collection method: clinical testing. Allele origin: germline.

Laboratory for Molecular Medicine, Mass General Brigham Personalized Medicine
Classification: Uncertain significance. Last evaluated: 2020-03-16. Review status: criteria provided, single submitter. Criteria: ACMG Guidelines, 2015. Collection method: clinical testing. Allele origin: germline.
Comment: The p.Gln529Pro variant in DNAAF2 has not been previously reported in individuals with pulmonary disease, but has been identified in 1/30606 South Asian chromosomes by gnomAD. Computational prediction tools and conservation analysis do not provide strong support for or against an impact to the protein. In summary, the clinical significance of the p.Gln529Pro variant is uncertain. ACMG/AMP Criteria: PM2.